The following is an entry in ClinVar:

ClinVar aggregate classification (germline): Uncertain significance (1 of 4 stars; one submission).

Conditions:
Axenfeld-Rieger syndrome type 3 (RIEG3). Also called: AXENFELD-RIEGER ANOMALY WITH CARDIAC DEFECTS AND/OR SENSORINEURAL HEARING LOSS. Identifiers: Orphanet 782, MedGen C2678503, MONDO:0011233, OMIM 602482.

Submission:

Labcorp Genetics (formerly Invitae), Labcorp
Classification: Uncertain significance for Axenfeld-Rieger syndrome type 3. Last evaluated: 2024-09-01. Review status: criteria provided, single submitter. Criteria: Invitae Variant Classification Sherloc (09022015). Collection method: clinical testing. Allele origin: germline.
Comment: This sequence change replaces glycine, which is neutral and non-polar, with alanine, which is neutral and non-polar, at codon 35 of the FOXC1 protein (p.Gly35Ala). This variant is not present in population databases (gnomAD no frequency). This variant has not been reported in the literature in individuals affected with FOXC1-related conditions. An algorithm developed to predict the effect of missense changes on protein structure and function (PolyPhen-2) suggests that this variant is likely to be tolerated. In summary, the available evidence is currently insufficient to determine the role of this variant in disease. Therefore, it has been classified as a Variant of Uncertain Significance.

NM_001453.3(FOXC1):c.104G>C (p.Gly35Ala)

Gene: FOXC1 (forkhead box C1; plus strand). Cytogenetic location: 6p25.3.
Variant type: single nucleotide variant.
Coding change: c.104G>C on transcript NM_001453.3 (MANE Select); coding-DNA position 104, G replaced by C.
Protein change: p.Gly35Ala; replaces glycine 35 with alanine.
Molecular consequence: missense variant.
Genome position (GRCh38, 1-based): chr6:1,610,549, G>C. VCF-style: chr6-1610549-G-C. GRCh37 (hg19) VCF-style: chr6-1610784-G-C.
Other names: short protein forms G35A.
Identifiers: ClinVar variation 3688612 (VCV003688612.2).